The following is an entry in ClinVar:

NM_000537.4(REN):c.1217G>A (p.Arg406His)

Gene: REN (renin; minus strand). Cytogenetic location: 1q32.1.
Variant type: single nucleotide variant.
Coding change: c.1217G>A on transcript NM_000537.4 (MANE Select); coding-DNA position 1217, G replaced by A.
Protein change: p.Arg406His; replaces arginine 406 with histidine.
Molecular consequence: missense variant.
Genome position (GRCh38, 1-based): chr1:204,155,020, C>T on the plus strand (G>A on the coding strand, the complement: REN is on the minus strand). VCF-style: chr1-204155020-C-T. GRCh37 (hg19) VCF-style: chr1-204124148-C-T.
Other names: short protein forms R406H.
Identifiers: ClinVar variation 4739508 (VCV004739508.1).
Genomic context (GRCh38, chr1:204,155,020, plus strand): 5'-GTGTTCCAGCTCTGGGCCAGGGCTGAAGGCAGGGCCTGCCTGGGTGGCAGAGGGCCTCAG[C>T]GGGCCAAGGCGAAGCCAATGCGGTTGTTACGCCGATCAAACTCTGTGTAGAACTTTCGGA-3'
Protein context (NP_000528.1, residues 396-406): RNNRIGFALA[Arg406His]

ClinVar aggregate classification (germline): Uncertain significance (1 of 4 stars; one submission).

gnomAD v4.1: 67 of 1,613,804 alleles (0.0042%); highest among the groups gnomAD compares: African/African-American, 0.027%; no homozygotes.

Submission:

Labcorp Genetics (formerly Invitae), Labcorp
Classification: Uncertain significance. Last evaluated: 2025-03-12. Review status: criteria provided, single submitter. Criteria: Invitae Variant Classification Sherloc (09022015). Collection method: clinical testing. Allele origin: germline.
Comment: This sequence change replaces arginine, which is basic and polar, with histidine, which is basic and polar, at codon 406 of the REN protein (p.Arg406His). This variant is present in population databases (rs527291298, gnomAD 0.03%). This variant has not been reported in the literature in individuals affected with REN-related conditions. An algorithm developed to predict the effect of missense changes on protein structure and function outputs the following: PolyPhen-2: "Benign". The histidine amino acid residue is found in multiple mammalian species, which suggests that this missense change does not adversely affect protein function. In summary, the available evidence is currently insufficient to determine the role of this variant in disease. Therefore, it has been classified as a Variant of Uncertain Significance.